The following is an entry in ClinVar:

NM_000553.6(WRN):c.2677T>G (p.Leu893Val)

Gene: WRN (WRN RecQ like helicase; plus strand). Cytogenetic location: 8p12.
Variant type: single nucleotide variant.
Coding change: c.2677T>G on transcript NM_000553.6 (MANE Select); coding-DNA position 2677, T replaced by G.
Protein change: p.Leu893Val; replaces leucine 893 with valine.
Molecular consequence: missense variant.
Genome position (GRCh38, 1-based): chr8:31,124,568, T>G. VCF-style: chr8-31124568-T-G. GRCh37 (hg19) VCF-style: chr8-30982084-T-G.
Other names: short protein forms L893V.
Identifiers: ClinVar variation 1436708 (VCV001436708.6), dbSNP rs764367192, ClinGen allele CA174884485.

ClinVar aggregate classification (germline): Uncertain significance (1 of 4 stars; one submission).

Conditions:
Werner syndrome (WRN). Identifiers: Orphanet 902, MedGen C0043119, MONDO:0010196, OMIM 277700.

Allele frequency attached by ClinVar (database versions not stated): gnomAD exomes 0.00001.
gnomAD v4.1: 8 of 1,612,942 alleles (0.0005%); highest among the groups gnomAD compares: Non-Finnish European, 0.00068%; no homozygotes.

Submission:

Labcorp Genetics (formerly Invitae), Labcorp
Classification: Uncertain significance for Werner syndrome. Last evaluated: 2023-08-27. Review status: criteria provided, single submitter. Criteria: Invitae Variant Classification Sherloc (09022015). Collection method: clinical testing. Allele origin: germline.
Comment: This variant has not been reported in the literature in individuals affected with WRN-related conditions. In summary, the available evidence is currently insufficient to determine the role of this variant in disease. Therefore, it has been classified as a Variant of Uncertain Significance. An algorithm developed to predict the effect of missense changes on protein structure and function (PolyPhen-2) suggests that this variant is likely to be disruptive. ClinVar contains an entry for this variant (Variation ID: 1436708). This variant is not present in population databases (gnomAD no frequency). This sequence change replaces leucine, which is neutral and non-polar, with valine, which is neutral and non-polar, at codon 893 of the WRN protein (p.Leu893Val).